The following is an entry in ClinVar:

NM_001130987.2(DYSF):c.5251_5258del (p.Lys1751fs)

Gene: DYSF (dysferlin; plus strand). Cytogenetic location: 2p13.2.
Variant type: Deletion.
Coding change: c.5251_5258del on transcript NM_001130987.2 (MANE Select); coding-DNA positions 5251 to 5258, 8 bases deleted (AAGGCACC; older notation c.5251_5258delAAGGCACC).
Protein change: p.Lys1751fs; shifts the reading frame from lysine 1751.
Molecular consequence: frameshift variant.
Genome position (GRCh38, 1-based): chr2:71,665,238-71,665,245, AAGGCACC deleted; deleting any 8 consecutive bases within chr2:71,665,237-71,665,245 gives the same sequence; the c. name uses the placement nearest the transcript's 3' end. VCF-style (leftmost placement, unchanged base first): chr2-71665236-TCAAGGCAC-T. GRCh37 (hg19) VCF-style: chr2-71892366-TCAAGGCAC-T.
Other names: c.5092_5099del, p.Lys1698fs (NM_001130976.2); c.5155_5162del, p.Lys1719fs (NM_001130977.2); c.5197_5204del, p.Lys1733fs (NM_001130978.2); c.5227_5234del, p.Lys1743fs (NM_001130979.2); c.5185_5192del, p.Lys1729fs (NM_001130980.2); c.5248_5255del, p.Lys1750fs (NM_001130981.2); c.5230_5237del, p.Lys1744fs (NM_001130982.2); c.5137_5144del, p.Lys1713fs (NM_001130455.2); and 5 more; short protein forms K1698fs, K1719fs, K1730fs, K1744fs, K1750fs, K1751fs, K1733fs, K1712fs.
Identifiers: ClinVar variation 1361687 (VCV001361687.6), dbSNP rs2152951812, ClinGen allele CA2573135906.

ClinVar aggregate classification (germline): Pathogenic (1 of 4 stars; one submission).

Conditions:
Neuromuscular disease caused by qualitative or quantitative defects of dysferlin. Also called: Qualitative or quantitative defects of dysferlin; Dysferlinopathy. Identifiers: Orphanet 207073, MedGen C2931687, MONDO:0016145.

Submission:

Labcorp Genetics (formerly Invitae), Labcorp
Classification: Pathogenic for Neuromuscular disease caused by qualitative or quantitative defects of dysferlin. Last evaluated: 2021-05-31. Review status: criteria provided, single submitter. Criteria: Invitae Variant Classification Sherloc (09022015). Collection method: clinical testing. Allele origin: germline.
Comment: This sequence change creates a premature translational stop signal (p.Lys1712Cysfs*12) in the DYSF gene. It is expected to result in an absent or disrupted protein product. Loss-of-function variants in DYSF are known to be pathogenic (PMID: 17698709, 20301480). This variant is not present in population databases (ExAC no frequency). For these reasons, this variant has been classified as Pathogenic. This variant has not been reported in the literature in individuals with DYSF-related conditions.

Literature cited by the submitters: PubMed 17698709; PubMed 20301480.